The following is an entry in ClinVar:

NM_019597.5(HNRNPH2):c.626C>G (p.Pro209Arg)

Genes: HNRNPH2 (heterogeneous nuclear ribonucleoprotein H2; plus strand), RPL36A-HNRNPH2 (RPL36A-HNRNPH2 readthrough; plus strand). Cytogenetic location: Xq22.1.
Variant type: single nucleotide variant.
Coding change: c.626C>G on transcript NM_019597.5 (MANE Select); coding-DNA position 626, C replaced by G.
Protein change: p.Pro209Arg; replaces proline 209 with arginine.
Molecular consequence: missense variant. On other transcripts: 3 prime UTR variant (2).
Genome position (GRCh38, 1-based): chrX:101,412,614, C>G. VCF-style: chrX-101412614-C-G. GRCh37 (hg19) VCF-style: chrX-100667602-C-G.
Other names: c.*622C>G (NM_001199973.2, NM_001199974.2); c.626C>G, p.Pro209Arg (NM_001032393.3); short protein forms P209R.
Identifiers: ClinVar variation 4855986 (VCV004855986.1).

ClinVar aggregate classification (germline): Likely pathogenic (1 of 4 stars; one submission).

Conditions:
Intellectual developmental disorder, X-linked, syndromic, Bain type. Also called: Intellectual disability, X-linked, syndromic, Bain type; HNRNPH2-Related Neurodevelopmental Disorder. Identifiers: Orphanet 662198, MedGen C4310814, MONDO:0010512, OMIM 300986.

Submission:

3billion
Classification: Likely pathogenic for Intellectual developmental disorder, X-linked, syndromic, Bain type. Last evaluated: 2025-05-08. Review status: criteria provided, single submitter. Criteria: ACMG Guidelines, 2015. Collection method: clinical testing. Allele origin: germline. Affected: yes.
Comment: The variant is not observed in the gnomAD v4.1.0 dataset. Predicted Consequence/Location: Missense variant. Missense changes are a common disease-causing mechanism. In silico tool predictions suggest damaging effect of the variant on gene or gene product [3Cnet: 0.97 (> 0.75, sensitivity 0.96 and precision 0.92)]. A different missense change at the same codon (p.Pro209Leu) has been reported to be associated with HNRNPH2-related disorder (ClinVar ID: VCV000225759 /PMID: 27545675). Therefore, this variant is classified as Likely pathogenic according to the recommendation of ACMG/AMP guideline.

Literature cited by the submitters: PubMed 27545675.